The following is an entry in ClinVar:

ClinVar aggregate classification (germline): Uncertain significance (1 of 4 stars; one submission).

Conditions:
Neurodegeneration with brain iron accumulation 5 (NBIA5). Also called: STATIC ENCEPHALOPATHY OF CHILDHOOD WITH NEURODEGENERATION IN ADULTHOOD; Beta-propeller protein-associated neurodegeneration. Identifiers: Orphanet 329284, MedGen C3550973, MONDO:0010476, OMIM 300894.

gnomAD v4.1: 1 of 1,211,826 alleles (0.000083%); no homozygotes.

Submission:

Labcorp Genetics (formerly Invitae), Labcorp
Classification: Uncertain significance for Neurodegeneration with brain iron accumulation 5. Last evaluated: 2025-01-19. Review status: criteria provided, single submitter. Criteria: Invitae Variant Classification Sherloc (09022015). Collection method: clinical testing. Allele origin: germline.
Comment: This sequence change replaces threonine, which is neutral and polar, with serine, which is neutral and polar, at codon 2 of the WDR45 protein (p.Thr2Ser). This variant is not present in population databases (gnomAD no frequency). This variant has not been reported in the literature in individuals affected with WDR45-related conditions. An algorithm developed to predict the effect of missense changes on protein structure and function outputs the following: PolyPhen-2: "Benign". The serine amino acid residue is found in multiple mammalian species, which suggests that this missense change does not adversely affect protein function. In summary, the available evidence is currently insufficient to determine the role of this variant in disease. Therefore, it has been classified as a Variant of Uncertain Significance.

NM_001029896.2(WDR45):c.5C>G (p.Thr2Ser)

Genes: WDR45 (WD repeat domain 45; minus strand), LOC126863256 (BRD4-independent group 4 enhancer GRCh37_chrX:48934848-48936047; plus strand). Cytogenetic location: Xp11.23.
Variant type: single nucleotide variant.
Coding change: c.5C>G on transcript NM_001029896.2 (MANE Select); coding-DNA position 5, C replaced by G.
Protein change: p.Thr2Ser; replaces threonine 2 with serine.
Molecular consequence: missense variant.
Genome position (GRCh38, 1-based): chrX:49,078,091, G>C on the plus strand (C>G on the coding strand, the complement: WDR45 is on the minus strand). VCF-style: chrX-49078091-G-C. GRCh37 (hg19) VCF-style: chrX-48935750-G-C.
Other names: c.5C>G, p.Thr2Ser (NM_007075.4); short protein forms T2S.
Identifiers: ClinVar variation 3634890 (VCV003634890.2).
Genomic context (GRCh38, chrX:49,078,091, plus strand): 5'-CCTCTCTCACTTTGGTCTTGGTTGAAACGCAGGCTGGTCACTCCTCGAAGTGGCTGTTGA[G>C]TCATGGTGCAGGATTGTTCCTCTGCATACAAATGGGATAAAGATGAGAAGAGTCCTGGAA-3'
Protein context (NP_001025067.1, residues 1-12): M[Thr2Ser]QQPLRGVTSL